The following is an entry in ClinVar:

ClinVar aggregate classification (germline): Likely pathogenic (1 of 4 stars; one submission).

Submission:

Genetic Services Laboratory, University of Chicago
Classification: Likely pathogenic. Last evaluated: 2021-06-21. Review status: criteria provided, single submitter. Criteria: ACMG Guidelines, 2015. Collection method: clinical testing. Allele origin: germline. Affected: yes.
Comment: DNA sequence analysis of the GLUD1 gene demonstrated a sequence change, c.954A>T, in exon 7 that results in an amino acid change, p.Arg318Ser. This sequence change has not been described in known population databases. The p.Arg318Ser change affects a highly conserved amino acid residue located in the catalytic domain of the GLUD1 protein that is known to be functional and is in a region of the GLUD1 gene where other missense sequence changes have been described in patients with GLUD1-related disorders. In-silico pathogenicity prediction tools (SIFT, PolyPhen2, Align GVGD, REVEL) provide contradictory results for the p.Arg318Ser substitution. This particular amino acid change does not appear to have been described in the literature in other patients with GLUD1 related disorders, however, different pathogenic sequence changes affecting the same amino acid residue (p.Arg318Lys and p.Arg318Thr) have been described in patients with GLUD1-related disorders (PMID: 10636977, 19690084, DOI 10.1515/IJDHD.2000.1.4.235). This sequence change is the likely cause of this patient's phenotype, however functional studies have not been performed to prove this conclusively

NM_005271.5(GLUD1):c.954A>T (p.Arg318Ser)

Gene: GLUD1 (glutamate dehydrogenase 1; minus strand). Cytogenetic location: 10q23.2.
Variant type: single nucleotide variant.
Coding change: c.954A>T on transcript NM_005271.5 (MANE Select); coding-DNA position 954, A replaced by T.
Protein change: p.Arg318Ser; replaces arginine 318 with serine.
Molecular consequence: missense variant.
Genome position (GRCh38, 1-based): chr10:87,061,020, T>A on the plus strand (A>T on the coding strand, the complement: GLUD1 is on the minus strand). VCF-style: chr10-87061020-T-A. GRCh37 (hg19) VCF-style: chr10-88820777-T-A.
Other names: c.555A>T, p.Arg185Ser (NM_001318900.1); c.453A>T, p.Arg151Ser (NM_001318901.1, NM_001318902.1, NM_001318904.2 and 2 more transcripts); short protein forms R151S, R185S, R318S.
Identifiers: ClinVar variation 1338646 (VCV001338646.4), dbSNP rs2133796065, ClinGen allele CA377467770.